The following is an entry in ClinVar:

NM_020829.4(RIC1):c.3211T>C (p.Leu1071=)

Gene: RIC1 (RIC1 partner of RAB6A GEF complex; plus strand). Cytogenetic location: 9p24.1.
Variant type: single nucleotide variant.
Coding change: c.3211T>C on transcript NM_020829.4 (MANE Select); coding-DNA position 3211, T replaced by C.
Protein change: p.Leu1071=; no amino-acid change (leucine 1071 retained).
Molecular consequence: synonymous variant.
Genome position (GRCh38, 1-based): chr9:5,769,043, T>C. VCF-style: chr9-5769043-T-C. GRCh37 (hg19) VCF-style: chr9-5769043-T-C.
Other names: c.3211T>C, p.Leu1071= (NM_001135920.4); c.3100T>C, p.Leu1034= (NM_001206557.2).
Identifiers: ClinVar variation 2659054 (VCV002659054.25), dbSNP rs61744828, ClinGen allele CA4975111.

ClinVar aggregate classification (germline): Likely benign. Review status: criteria provided, multiple submitters, no conflicts (2 of 4 stars). 2 submissions from 2 submitters: Likely benign (2). Last evaluated 2024-09-13.

Allele frequency attached by ClinVar (database versions not stated): ExAC 0.00084; ESP Exome Variant Server 0.00300; 1000 Genomes Project 0.00479; 1000 Genomes Project 30x 0.00515.
gnomAD v4.1: 794 of 1,614,100 alleles (0.049%); highest among the groups gnomAD compares: African/African-American, 0.88%; 8 homozygotes.

Submissions (2):

Blueprint Genetics
Classification: Likely benign. Last evaluated: 2024-09-13. Review status: criteria provided, single submitter. Criteria: ACMG Guidelines, 2015. Collection method: clinical testing. Allele origin: germline.

CeGaT Center for Human Genetics Tuebingen
Classification: Likely benign. Last evaluated: 2023-12-01. Review status: criteria provided, single submitter. Criteria: CeGaT Center For Human Genetics Tuebingen Variant Classification Criteria Version 2. Collection method: clinical testing. Allele origin: germline. Affected: yes. Observed: 2 variant alleles.
Comment: RIC1: BP4, BP7, BS2